The following is an entry in ClinVar:

NM_004977.3(KCNC3):c.1000C>T (p.Pro334Ser)

Gene: KCNC3 (potassium voltage-gated channel subfamily C member 3; minus strand). Cytogenetic location: 19q13.33.
Variant type: single nucleotide variant.
Coding change: c.1000C>T on transcript NM_004977.3 (MANE Select); coding-DNA position 1000, C replaced by T.
Protein change: p.Pro334Ser; replaces proline 334 with serine.
Molecular consequence: missense variant.
Genome position (GRCh38, 1-based): chr19:50,323,953, G>A on the plus strand (C>T on the coding strand, the complement: KCNC3 is on the minus strand). VCF-style: chr19-50323953-G-A. GRCh37 (hg19) VCF-style: chr19-50827210-G-A.
Other names: c.772C>T, p.Pro258Ser (NM_001372305.1); short protein forms P258S, P334S.
Identifiers: ClinVar variation 3363229 (VCV003363229.1).

ClinVar aggregate classification (germline): Uncertain significance (1 of 4 stars; one submission).

Submission:

GeneDx
Classification: Uncertain significance. Last evaluated: 2023-10-19. Review status: criteria provided, single submitter. Criteria: GeneDx Variant Classification Process June 2021. Collection method: clinical testing. Allele origin: germline. Affected: yes.
Comment: Not observed at significant frequency in large population cohorts (gnomAD); In silico analysis supports that this missense variant does not alter protein structure/function; Has not been previously published as pathogenic or benign to our knowledge